The following is an entry in ClinVar:

ClinVar aggregate classification (germline): Uncertain significance. Review status: criteria provided, multiple submitters, no conflicts (2 of 4 stars). 2 submissions from 2 submitters: Uncertain significance (2). Last evaluated 2022-04-11.

Conditions:
Oculocutaneous albinism type 4 (OCA4). Also called: Albinism, oculocutaneous, type IV. Identifiers: Orphanet 79435, MedGen C1847836, MONDO:0011683, OMIM 606574.

Allele frequency attached by ClinVar (database versions not stated): gnomAD 0.00003; ESP Exome Variant Server 0.00008; ExAC 0.00001; TOPMed 0.00002.
gnomAD v4.1: 103 of 1,614,070 alleles (0.0064%); highest among the groups gnomAD compares: Non-Finnish European, 0.0079%; no homozygotes.

Submissions (2):

Labcorp Genetics (formerly Invitae), Labcorp
Classification: Uncertain significance. Last evaluated: 2022-04-11. Review status: criteria provided, single submitter. Criteria: Invitae Variant Classification Sherloc (09022015). Collection method: clinical testing. Allele origin: germline.
Comment: This sequence change replaces threonine, which is neutral and polar, with methionine, which is neutral and non-polar, at codon 403 of the SLC45A2 protein (p.Thr403Met). This variant is present in population databases (rs141286272, gnomAD 0.003%). This variant has not been reported in the literature in individuals affected with SLC45A2-related conditions. ClinVar contains an entry for this variant (Variation ID: 907931). Algorithms developed to predict the effect of missense changes on protein structure and function output the following: SIFT: "Tolerated"; PolyPhen-2: "Benign"; Align-GVGD: "Class C0". The methionine amino acid residue is found in multiple mammalian species, which suggests that this missense change does not adversely affect protein function. In summary, the available evidence is currently insufficient to determine the role of this variant in disease. Therefore, it has been classified as a Variant of Uncertain Significance.

Illumina Laboratory Services, Illumina
Classification: Uncertain significance for Oculocutaneous albinism type 4. Last evaluated: 2018-01-13. Review status: criteria provided, single submitter. Criteria: ICSL Variant Classification Criteria 13 December 2019. Collection method: clinical testing. Allele origin: germline.

NM_016180.5(SLC45A2):c.1208C>T (p.Thr403Met)

Gene: SLC45A2 (solute carrier family 45 member 2; minus strand). Cytogenetic location: 5p13.2.
Variant type: single nucleotide variant.
Coding change: c.1208C>T on transcript NM_016180.5 (MANE Select); coding-DNA position 1208, C replaced by T.
Protein change: p.Thr403Met; replaces threonine 403 with methionine.
Molecular consequence: missense variant.
Genome position (GRCh38, 1-based): chr5:33,947,323, G>A on the plus strand (C>T on the coding strand, the complement: SLC45A2 is on the minus strand). VCF-style: chr5-33947323-G-A. GRCh37 (hg19) VCF-style: chr5-33947428-G-A.
Other names: c.1208C>T, p.Thr403Met (NM_001012509.4); short protein forms T403M.
Identifiers: ClinVar variation 907931 (VCV000907931.8), dbSNP rs141286272, ClinGen allele CA3225535.